The following is an entry in ClinVar:

ClinVar aggregate classification (germline): Benign/Likely benign. Review status: criteria provided, multiple submitters, no conflicts (2 of 4 stars). 2 submissions from 2 submitters: Benign (1); Likely benign (1). Last evaluated 2024-05-17.

Conditions:
Ataxia-telangiectasia syndrome (AT). Also called: Cerebello-oculocutaneous telangiectasia; Immunodeficiency with ataxia telangiectasia; ATAXIA-TELANGIECTASIA, FRESNO VARIANT; Ataxia-telangiectasia, complementation group E; Ataxia-telangiectasia, complementation group D; AT, COMPLEMENTATION GROUP C. Identifiers: Orphanet 100, MedGen C0004135, MONDO:0008840, OMIM 208900.
Familial cancer of breast. Also called: Hereditary breast cancer; BREAST CANCER, FAMILIAL; hereditary breast carcinoma. Identifiers: Orphanet 227535, MedGen C0346153, MONDO:0016419, OMIM 114480. Disease mechanism: loss of function.

Submissions (2):

Myriad Genetics, Inc.
Classification: Benign for Familial cancer of breast. Last evaluated: 2024-05-17. Review status: criteria provided, single submitter. Criteria: Myriad Autosomal Dominant, Autosomal Recessive and X-Linked Classification Criteria (2023). Collection method: clinical testing. Allele origin: unknown.
Comment: This variant is considered benign. This variant is a silent/synonymous amino acid change and it is not expected to impact splicing.

Labcorp Genetics (formerly Invitae), Labcorp
Classification: Likely benign for Ataxia-telangiectasia syndrome. Last evaluated: 2021-03-07. Review status: criteria provided, single submitter. Criteria: Invitae Variant Classification Sherloc (09022015). Collection method: clinical testing. Allele origin: germline.

NM_000051.4(ATM):c.4242C>T (p.Ser1414=)

Gene: ATM (ATM serine/threonine kinase; plus strand). Cytogenetic location: 11q22.3.
Variant type: single nucleotide variant.
Coding change: c.4242C>T on transcript NM_000051.4 (MANE Select); coding-DNA position 4242, C replaced by T.
Protein change: p.Ser1414=; no amino-acid change (serine 1414 retained).
Molecular consequence: synonymous variant.
Genome position (GRCh38, 1-based): chr11:108,289,607, C>T. VCF-style: chr11-108289607-C-T. GRCh37 (hg19) VCF-style: chr11-108160334-C-T.
Other names: c.4242C>T, p.Ser1414= (NM_001351834.2).
Identifiers: ClinVar variation 1536767 (VCV001536767.9), dbSNP rs2135759239, ClinGen allele CA476673798.
Genomic context (GRCh38, chr11:108,289,607, plus strand): 5'-ATTGTAGCCGAGTATCTAATTAAACAAGTTTTTACTAAATCTGTTTATTTTCTAGGATTC[C>T]TATCAGAAAATTCTTCTTGCCATATGTGAGCAAGCAGCTGAAACAAATAATGTTTATAAG-3'
Protein context (NP_000042.3, residues 1404-1424): ILEILSKSPD[Ser1414=]YQKILLAICE